The following is an entry in ClinVar:

NM_022089.4(ATP13A2):c.3329A>G (p.Asn1110Ser)

Gene: ATP13A2 (ATPase cation transporting 13A2; minus strand). Cytogenetic location: 1p36.13.
Variant type: single nucleotide variant.
Coding change: c.3329A>G on transcript NM_022089.4 (MANE Select); coding-DNA position 3329, A replaced by G.
Protein change: p.Asn1110Ser; replaces asparagine 1110 with serine.
Molecular consequence: missense variant. On other transcripts: intron variant (1).
Genome position (GRCh38, 1-based): chr1:16,986,539, T>C on the plus strand (A>G on the coding strand, the complement: ATP13A2 is on the minus strand). VCF-style: chr1-16986539-T-C. GRCh37 (hg19) VCF-style: chr1-17313034-T-C.
Other names: c.3329A>G (NM_022089.2); c.3314A>G, p.Asn1105Ser (NM_001141973.3); c.3104-181A>G (NM_001141974.3); short protein forms N1110S, N1105S.
Identifiers: ClinVar variation 583336 (VCV000583336.8), dbSNP rs758675397, ClinGen allele CA636524.

ClinVar aggregate classification (germline): Conflicting classifications of pathogenicity. Review status: criteria provided, conflicting classifications (1 of 4 stars). 2 submissions from 2 submitters: Uncertain significance (1); Likely benign (1). Last evaluated 2025-10-26.

Conditions:
Kufor-Rakeb syndrome (KRS). Also called: PARKINSON DISEASE 9, AUTOSOMAL RECESSIVE, JUVENILE-ONSET. Identifiers: Orphanet 306674, Orphanet 314632, MedGen C1847640, MONDO:0011706, OMIM 606693.
Autosomal recessive spastic paraplegia type 78. Identifiers: Orphanet 513436, MedGen C5567893, MONDO:0014975, OMIM 617225.
Inborn genetic diseases. Identifiers: MedGen C0950123, MeSH D030342.

Allele frequency attached by ClinVar (database versions not stated): gnomAD exomes 0.00001 and 0.00003; ExAC 0.00003; gnomAD 0.00011 and 0.00012; TOPMed 0.00021.
gnomAD v4.1: 38 of 1,612,436 alleles (0.0024%); highest among the groups gnomAD compares: African/African-American, 0.033%; no homozygotes.

Submissions (2):

Labcorp Genetics (formerly Invitae), Labcorp
Classification: Uncertain significance for Kufor-Rakeb syndrome; Autosomal recessive spastic paraplegia type 78. Last evaluated: 2025-10-26. Review status: criteria provided, single submitter. Criteria: Invitae Variant Classification Sherloc (09022015). Collection method: clinical testing. Allele origin: germline.
Comment: This sequence change replaces asparagine, which is neutral and polar, with serine, which is neutral and polar, at codon 1110 of the ATP13A2 protein (p.Asn1110Ser). This variant is present in population databases (rs758675397, gnomAD 0.03%). This variant has not been reported in the literature in individuals affected with ATP13A2-related conditions. ClinVar contains an entry for this variant (Variation ID: 583336). Invitae Evidence Modeling of protein sequence and biophysical properties (such as structural, functional, and spatial information, amino acid conservation, physicochemical variation, residue mobility, and thermodynamic stability) indicates that this missense variant is not expected to disrupt ATP13A2 protein function with a negative predictive value of 95%. In summary, the available evidence is currently insufficient to determine the role of this variant in disease. Therefore, it has been classified as a Variant of Uncertain Significance.

Ambry Genetics
Classification: Likely benign for Inborn genetic diseases. Last evaluated: 2021-10-29. Review status: criteria provided, single submitter. Criteria: Ambry Variant Classification Scheme 2023. Collection method: clinical testing. Allele origin: germline.